The following is an entry in ClinVar:

ClinVar aggregate classification (germline): Conflicting classifications of pathogenicity. Review status: criteria provided, conflicting classifications (1 of 4 stars). 6 submissions from 6 submitters: Uncertain significance (3); Benign (2); Likely benign (1). Last evaluated 2026-02-04.

Conditions:
HBB-related disorder. Also called: HBB-related disorders; HBB-related condition. Identifiers: MedGen CN239378.
beta Thalassemia (BTHAL). Also called: Cooley's anemia; Erythroblastic anemia; Mediterranean anemia. Identifiers: Orphanet 848, MedGen C0005283, MONDO:0019402. Disease mechanism: loss of function.

Allele frequency attached by ClinVar (database versions not stated): gnomAD 0.00312 and 0.00283; TOPMed 0.00311; 1000 Genomes Project 0.00160; 1000 Genomes Project 30x 0.00187.

Submissions (6):

Labcorp Genetics (formerly Invitae), Labcorp
Classification: Benign. Last evaluated: 2026-02-04. Review status: criteria provided, single submitter. Criteria: Invitae Variant Classification Sherloc (09022015). Collection method: clinical testing. Allele origin: germline.

ARUP Laboratories, Molecular Genetics and Genomics, ARUP Laboratories
Classification: Benign. Last evaluated: 2025-06-23. Review status: criteria provided, single submitter. Criteria: ARUP Molecular Germline Variant Investigation Process 2024. Collection method: clinical testing. Allele origin: germline.

PreventionGenetics, part of Exact Sciences
Classification: Likely benign for HBB-related condition. Last evaluated: 2025-03-28. Review status: criteria provided, single submitter. Criteria: ACMG Guidelines, 2015. Collection method: clinical testing. Allele origin: germline.
Comment: This variant is classified as likely benign based on ACMG/AMP sequence variant interpretation guidelines (Richards et al. 2015 PMID: 25741868, with internal and published modifications).

Revvity Omics, Revvity
Classification: Uncertain significance. Last evaluated: 2023-12-04. Review status: criteria provided, single submitter. Criteria: ACMG Guidelines, 2015. Collection method: clinical testing. Allele origin: germline.

GeneDx
Classification: Uncertain significance. Last evaluated: 2021-04-13. Review status: criteria provided, single submitter. Criteria: GeneDx Variant Classification Process June 2021. Collection method: clinical testing. Allele origin: germline. Affected: yes.
Comment: Also known as -83 (G>A) using alternate nomenclature; Identified in multiple unrelated families of African or Mediterranean descent who did not not appear to have a thalassemic phenotype, suggesting c.-133G>A may be a benign sequence variant (Waye et al., 2014); Nucleotide substitution has no predicted effect on splicing and is not conserved across species; This variant is associated with the following publications: (PMID: 25405919, 19657844, 25754248)

Women's Health and Genetics/Laboratory Corporation of America, LabCorp
Classification: Uncertain significance for Beta Thalassemia. Last evaluated: 2011-08-18. Review status: criteria provided, single submitter. Criteria: LabCorp Variant Classification Summary - May 2015. Collection method: curation, clinical testing. Allele origin: germline. Inheritance: autosomal unknown. Affected: yes.
ClinVar note: Converted during submission from uncertain to Uncertain significance.

NC_000011.10:g.5227154C>T

Genes: HBB (hemoglobin subunit beta; minus strand), LOC106099062 (HBB recombination region; plus strand), LOC107133510 (origin of replication at HBB; plus strand). Cytogenetic location: 11p15.4.
Variant type: single nucleotide variant.
Genome position: GRCh38 VCF-style: chr11-5227154-C-T. GRCh37 (hg19) VCF-style: chr11-5248384-C-T.
Other names: c.-133G>A (NM_000518.5).
Identifiers: ClinVar variation 36282 (VCV000036282.31), dbSNP rs72561473, ClinGen allele CA342841.